The following is an entry in ClinVar:

ClinVar aggregate classification (germline): Pathogenic (1 of 4 stars; one submission).

Conditions:
Neurofibromatosis, type 1 (NF1). Also called: Peripheral type neurofibromatosis; Neurofibromatosis, type I; VON RECKLINGHAUSEN DISEASE; NEUROFIBROMATOSIS, TYPE I, SOMATIC. Identifiers: Orphanet 636, MedGen C0027831, MONDO:0018975, OMIM 162200. Disease mechanism: loss of function.

Submission:

Labcorp Genetics (formerly Invitae), Labcorp
Classification: Pathogenic for Neurofibromatosis, type 1. Last evaluated: 2024-10-23. Review status: criteria provided, single submitter. Criteria: Invitae Variant Classification Sherloc (09022015). Collection method: clinical testing. Allele origin: germline.
Comment: This sequence change creates a premature translational stop signal (p.Lys2401Thrfs*9) in the NF1 gene. It is expected to result in an absent or disrupted protein product. Loss-of-function variants in NF1 are known to be pathogenic (PMID: 10712197, 23913538). This variant is not present in population databases (gnomAD no frequency). This premature translational stop signal has been observed in individual(s) with clinical features of neurofibromatosis type I (PMID: 17311297, 18546366). ClinVar contains an entry for this variant (Variation ID: 575475). For these reasons, this variant has been classified as Pathogenic.

Literature cited by the submitters: PubMed 10712197; PubMed 23913538; PubMed 17311297; PubMed 18546366.

NM_001042492.3(NF1):c.7265_7268del (p.Lys2422fs)

Gene: NF1 (neurofibromin 1; plus strand). Cytogenetic location: 17q11.2.
Variant type: Microsatellite.
Coding change: c.7265_7268del on transcript NM_001042492.3 (MANE Select); coding-DNA positions 7265 to 7268, 4 bases deleted (AACA; older notation c.7265_7268delAACA).
Protein change: p.Lys2422fs; shifts the reading frame from lysine 2422.
Molecular consequence: frameshift variant.
Genome position (GRCh38, 1-based): chr17:31,349,195-31,349,198, AACA deleted; deleting any 4 consecutive bases within chr17:31,349,191-31,349,198 gives the same sequence; the c. name uses the placement nearest the transcript's 3' end. VCF-style (leftmost placement, unchanged base first): chr17-31349190-TAACA-T. GRCh37 (hg19) VCF-style: chr17-29676208-TAACA-T.
Other names: c.7198_7201AACA[1], p.Lys2401Thrfs (NM_000267.4); c.7202_7205delAACA (NM_000267.3); short protein forms K2401fs, K2422fs.
Identifiers: ClinVar variation 575475 (VCV000575475.7), dbSNP rs1567623480, ClinGen allele CA658761017.
Genomic context (GRCh38, chr17:31,349,190, plus strand): 5'-TCCTTCACCTGCTATTGTTGCAAGAACAGTCAGAATTTTACATACACTACTAACTCTGGT[TAACA>T]AACACAGAAATTGTGACAAATTTGAAGTGAATACACAGAGCGTGGCCTACTTAGCAGGTA-3'